The following is an entry in ClinVar:

NM_000038.6(APC):c.5851T>G (p.Leu1951Val)

Gene: APC (APC regulator of Wnt signaling pathway; plus strand). Cytogenetic location: 5q22.2.
Variant type: single nucleotide variant.
Coding change: c.5851T>G on transcript NM_000038.6 (MANE Select); coding-DNA position 5851, T replaced by G.
Protein change: p.Leu1951Val; replaces leucine 1951 with valine.
Molecular consequence: missense variant.
Genome position (GRCh38, 1-based): chr5:112,841,445, T>G. VCF-style: chr5-112841445-T-G. GRCh37 (hg19) VCF-style: chr5-112177142-T-G.
Other names: c.5851T>G, p.Leu1951Val (NM_001127510.3, NM_001354895.2); c.5797T>G, p.Leu1933Val (NM_001127511.3); c.5905T>G, p.Leu1969Val (NM_001354896.2); c.5881T>G, p.Leu1961Val (NM_001354897.2); c.5776T>G, p.Leu1926Val (NM_001354898.2); c.5767T>G, p.Leu1923Val (NM_001354899.2); c.5728T>G, p.Leu1910Val (NM_001354900.2); c.5674T>G, p.Leu1892Val (NM_001354901.2); and 5 more; short protein forms L1825V, L1850V, L1860V, L1923V, L1933V, L1961V, L1969V, L1791V.
Identifiers: ClinVar variation 1511666 (VCV001511666.8), dbSNP rs2149950887, ClinGen allele CA16034130.

ClinVar aggregate classification (germline): Uncertain significance (1 of 4 stars; one submission).

Conditions:
Familial adenomatous polyposis 1 (FAP1). Also called: FAMILIAL ADENOMATOUS POLYPOSIS 1, ATTENUATED; POLYPOSIS, ADENOMATOUS INTESTINAL. Identifiers: MedGen C2713442, MONDO:0021056, OMIM 175100. Disease mechanism: loss of function.

gnomAD v4.1: 1 of 1,613,994 alleles (0.000062%); highest among the groups gnomAD compares: Non-Finnish European, 0.000085%; no homozygotes.

Submission:

Labcorp Genetics (formerly Invitae), Labcorp
Classification: Uncertain significance for Familial adenomatous polyposis 1. Last evaluated: 2022-11-23. Review status: criteria provided, single submitter. Criteria: Invitae Variant Classification Sherloc (09022015). Collection method: clinical testing. Allele origin: germline.
Comment: In summary, the available evidence is currently insufficient to determine the role of this variant in disease. Therefore, it has been classified as a Variant of Uncertain Significance. Advanced modeling of protein sequence and biophysical properties (such as structural, functional, and spatial information, amino acid conservation, physicochemical variation, residue mobility, and thermodynamic stability) performed at Invitae indicates that this missense variant is not expected to disrupt APC protein function. ClinVar contains an entry for this variant (Variation ID: 1511666). This variant has not been reported in the literature in individuals affected with APC-related conditions. This variant is not present in population databases (gnomAD no frequency). This sequence change replaces leucine, which is neutral and non-polar, with valine, which is neutral and non-polar, at codon 1951 of the APC protein (p.Leu1951Val).